The following is an entry in ClinVar:

NM_001304548.2(CFAP47):c.1447G>T (p.Val483Phe)

Gene: CFAP47 (cilia and flagella associated protein 47; plus strand). Cytogenetic location: Xp21.1.
Variant type: single nucleotide variant.
Coding change: c.1447G>T on transcript NM_001304548.2 (MANE Select); coding-DNA position 1447, G replaced by T.
Protein change: p.Val483Phe; replaces valine 483 with phenylalanine.
Molecular consequence: missense variant.
Genome position (GRCh38, 1-based): chrX:35,966,601, G>T. VCF-style: chrX-35966601-G-T. GRCh37 (hg19) VCF-style: chrX-35984718-G-T.
Other names: c.1447G>T, p.Val483Phe (NM_152632.4); short protein forms V483F.
Identifiers: ClinVar variation 2660260 (VCV002660260.24), dbSNP rs2518935394, ClinGen allele CA412708203.

ClinVar aggregate classification (germline): Uncertain significance (1 of 4 stars; one submission).

Submission:

CeGaT Center for Human Genetics Tuebingen
Classification: Uncertain significance. Last evaluated: 2023-10-01. Review status: criteria provided, single submitter. Criteria: CeGaT Center For Human Genetics Tuebingen Variant Classification Criteria Version 2. Collection method: clinical testing. Allele origin: germline. Affected: yes. Observed: 1 variant allele.
Comment: CFAP47: PM2, BP4